The following is an entry in ClinVar:

NM_002693.3(POLG):c.3348G>C (p.Met1116Ile)

Gene: POLG (DNA polymerase gamma, catalytic subunit; minus strand). Cytogenetic location: 15q26.1.
Variant type: single nucleotide variant.
Coding change: c.3348G>C on transcript NM_002693.3 (MANE Select); coding-DNA position 3348, G replaced by C.
Protein change: p.Met1116Ile; replaces methionine 1116 with isoleucine.
Molecular consequence: missense variant.
Genome position (GRCh38, 1-based): chr15:89,318,675, C>G on the plus strand (G>C on the coding strand, the complement: POLG is on the minus strand). VCF-style: chr15-89318675-C-G. GRCh37 (hg19) VCF-style: chr15-89861906-C-G.
Other names: c.3348G>C, p.Met1116Ile (NM_001126131.2); short protein forms M1116I.
Identifiers: ClinVar variation 2173561 (VCV002173561.4), dbSNP rs1291155223, ClinGen allele CA393749927.

ClinVar aggregate classification (germline): Uncertain significance. Review status: criteria provided, multiple submitters, no conflicts (2 of 4 stars). 2 submissions from 2 submitters: Uncertain significance (2). Last evaluated 2026-01-13.

Conditions:
Progressive sclerosing poliodystrophy (MTDPS4A). Also called: ALPERS DIFFUSE DEGENERATION OF CEREBRAL GRAY MATTER WITH HEPATIC CIRRHOSIS; Alpers-Huttenlocher Syndrome; Alpers-Huttenlocher Syndrome (AHS); Alpers Syndrome; Mitochondrial DNA Depletion Syndrome 4A; ALPERS PROGRESSIVE INFANTILE POLIODYSTROPHY. Identifiers: Orphanet 726, MedGen C0205710, MONDO:0008758, OMIM 203700.

Submissions (2):

Labcorp Genetics (formerly Invitae), Labcorp
Classification: Uncertain significance for Progressive sclerosing poliodystrophy. Last evaluated: 2026-01-13. Review status: criteria provided, single submitter. Criteria: Invitae Variant Classification Sherloc (09022015). Collection method: clinical testing. Allele origin: germline.
Comment: This sequence change replaces methionine, which is neutral and non-polar, with isoleucine, which is neutral and non-polar, at codon 1116 of the POLG protein (p.Met1116Ile). This variant is present in population databases (no rsID available, gnomAD no frequency). This variant has not been reported in the literature in individuals affected with POLG-related conditions. ClinVar contains an entry for this variant (Variation ID: 2173561). Invitae Evidence Modeling of protein sequence and biophysical properties (such as structural, functional, and spatial information, amino acid conservation, physicochemical variation, residue mobility, and thermodynamic stability) indicates that this missense variant is expected to disrupt POLG protein function with a positive predictive value of 95%. In summary, the available evidence is currently insufficient to determine the role of this variant in disease. Therefore, it has been classified as a Variant of Uncertain Significance.

Blueprint Genetics
Classification: Uncertain significance. Last evaluated: 2018-10-12. Review status: criteria provided, single submitter. Criteria: ACMG Guidelines, 2015. Collection method: clinical testing. Allele origin: germline.